The following is an entry in ClinVar:

ClinVar aggregate classification (germline): Conflicting classifications of pathogenicity. Review status: criteria provided, conflicting classifications (1 of 4 stars). 4 submissions from 4 submitters: Uncertain significance (2); Likely benign (1). 1 of the submissions does not count toward it. Last evaluated 2025-04-20.

Conditions:
MKKS-related disorder. Also called: MKKS-related condition; MKKS-related disorders.
McKusick-Kaufman syndrome (MKKS). Also called: HYDROMETROCOLPOS SYNDROME; HYDROMETROCOLPOS, POSTAXIAL POLYDACTYLY, AND CONGENITAL HEART MALFORMATION. Identifiers: Orphanet 2473, MedGen C0948368, MONDO:0009367, OMIM 236700.
Bardet-Biedl syndrome 6 (BBS6). Identifiers: Orphanet 110, MedGen C1858054, MONDO:0011523, OMIM 605231.
Inborn genetic diseases. Identifiers: MedGen C0950123, MeSH D030342.

Allele frequency attached by ClinVar (database versions not stated): gnomAD exomes below 0.00001; gnomAD 0.00001; TOPMed 0.00001.
gnomAD v4.1: 8 of 1,613,992 alleles (0.0005%); highest among the groups gnomAD compares: Admixed American, 0.005%; no homozygotes.

Submissions (4):

Ambry Genetics
Classification: Likely benign for Inborn genetic diseases. Last evaluated: 2025-04-20. Review status: criteria provided, single submitter. Criteria: Ambry Variant Classification Scheme 2023. Collection method: clinical testing. Allele origin: germline.

Fulgent Genetics
Classification: Uncertain significance for McKusick-Kaufman syndrome; Bardet-Biedl syndrome 6. Last evaluated: 2024-03-06. Review status: criteria provided, single submitter. Criteria: ACMG Guidelines, 2015. Collection method: clinical testing. Allele origin: germline.

Genetic Services Laboratory, University of Chicago
Classification: Uncertain significance. Last evaluated: 2018-02-19. Review status: criteria provided, single submitter. Criteria: ACMG Guidelines, 2015. Collection method: clinical testing. Allele origin: germline. Affected: no.

PreventionGenetics, part of Exact Sciences
Classification: Uncertain significance for MKKS-related condition. Last evaluated: 2023-12-29. Review status: no assertion criteria provided. Collection method: clinical testing. Allele origin: germline. Not counted in ClinVar's aggregate classification.
Comment: The MKKS c.917A>G variant is predicted to result in the amino acid substitution p.Asn306Ser. To our knowledge, this variant has not been reported in the literature. This variant is reported in 0.0029% of alleles in individuals of Latino descent in gnomAD. At this time, the clinical significance of this variant is uncertain due to the absence of conclusive functional and genetic evidence.

NM_170784.3(MKKS):c.917A>G (p.Asn306Ser)

Gene: MKKS (MKKS centrosomal shuttling protein; minus strand). Cytogenetic location: 20p12.2.
Variant type: single nucleotide variant.
Coding change: c.917A>G on transcript NM_170784.3 (MANE Select); coding-DNA position 917, A replaced by G.
Protein change: p.Asn306Ser; replaces asparagine 306 with serine.
Molecular consequence: missense variant.
Genome position (GRCh38, 1-based): chr20:10,412,598, T>C on the plus strand (A>G on the coding strand, the complement: MKKS is on the minus strand). VCF-style: chr20-10412598-T-C. GRCh37 (hg19) VCF-style: chr20-10393246-T-C.
Other names: c.917A>G (NM_018848.2); c.917A>G, p.Asn306Ser (NM_018848.3); short protein forms N306S.
Identifiers: ClinVar variation 1336575 (VCV001336575.7), dbSNP rs1412422841, ClinGen allele CA408232072.